The following is an entry in ClinVar:

NM_004958.4(MTOR):c.1012T>C (p.Ser338Pro)

Gene: MTOR (mechanistic target of rapamycin kinase; minus strand). Cytogenetic location: 1p36.22.
Variant type: single nucleotide variant.
Coding change: c.1012T>C on transcript NM_004958.4 (MANE Select); coding-DNA position 1012, T replaced by C.
Protein change: p.Ser338Pro; replaces serine 338 with proline.
Molecular consequence: missense variant.
Genome position (GRCh38, 1-based): chr1:11,247,923, A>G on the plus strand (T>C on the coding strand, the complement: MTOR is on the minus strand). VCF-style: chr1-11247923-A-G. GRCh37 (hg19) VCF-style: chr1-11307980-A-G.
Other names: c.1012T>C (LRG_734t1); short protein forms S338P.
Identifiers: ClinVar variation 656599 (VCV000656599.2), dbSNP rs761594312, ClinGen allele CA590829.
Genomic context (GRCh38, chr1:11,247,923, plus strand): 5'-CCACCAGGGTGGACTTAGCTGGACTGGGGGAGGTCCCAAATCCCATGAGGCCTTGGTGAG[A>G]GCTGTACCCCAGCAGCCCCACCAAGGCATTTGACTGCTGGGGCTGTACAGCCTGGAAACT-3'
Protein context (NP_004949.1, residues 328-348): NALVGLLGYS[Ser338Pro]HQGLMGFGTS

ClinVar aggregate classification (germline): Uncertain significance. Review status: criteria provided, multiple submitters, no conflicts (2 of 4 stars). 2 submissions from 2 submitters: Uncertain significance (2). Last evaluated 2022-06-20.

Allele frequency attached by ClinVar (database versions not stated): ExAC 0.00001; gnomAD 0.00001; gnomAD exomes 0.00001; TOPMed 0.00002.
gnomAD v4.1: 9 of 1,613,980 alleles (0.00056%); highest among the groups gnomAD compares: East Asian, 0.0045%; no homozygotes.

Submissions (2):

GeneDx
Classification: Uncertain significance. Last evaluated: 2022-06-20. Review status: criteria provided, single submitter. Criteria: GeneDx Variant Classification Process June 2021. Collection method: clinical testing. Allele origin: germline. Affected: yes.
Comment: In silico analysis supports that this missense variant does not alter protein structure/function; Has not been previously published as pathogenic or benign to our knowledge

Labcorp Genetics (formerly Invitae), Labcorp
Classification: Uncertain significance. Last evaluated: 2018-12-04. Review status: criteria provided, single submitter. Criteria: Invitae Variant Classification Sherloc (09022015). Collection method: clinical testing. Allele origin: germline.
Comment: This sequence change replaces serine with proline at codon 338 of the MTOR protein (p.Ser338Pro). The serine residue is weakly conserved and there is a moderate physicochemical difference between serine and proline. This variant is present in population databases (rs761594312, ExAC 0.01%). This variant has not been reported in the literature in individuals with MTOR-related conditions. Algorithms developed to predict the effect of missense changes on protein structure and function (SIFT, PolyPhen-2, Align-GVGD) all suggest that this variant is likely to be tolerated, but these predictions have not been confirmed by published functional studies and their clinical significance is uncertain. In summary, the available evidence is currently insufficient to determine the role of this variant in disease. Therefore, it has been classified as a Variant of Uncertain Significance.